The following is an entry in ClinVar:

ClinVar aggregate classification (germline): Benign/Likely benign. Review status: criteria provided, multiple submitters, no conflicts (2 of 4 stars). 5 submissions from 5 submitters: Benign (1); Likely benign (3). 1 of the submissions does not count toward it. Last evaluated 2025-10-27.

Conditions:
ATPAF2-related disorder. Also called: ATPAF2-related condition.

Allele frequency attached by ClinVar (database versions not stated): gnomAD exomes 0.00020 and 0.00041; ExAC 0.00044; 1000 Genomes Project 0.00120; 1000 Genomes Project 30x 0.00125; ESP Exome Variant Server 0.00161; gnomAD 0.00169 and 0.00188; TOPMed 0.00188.

Submissions (5):

Labcorp Genetics (formerly Invitae), Labcorp
Classification: Benign. Last evaluated: 2025-10-27. Review status: criteria provided, single submitter. Criteria: Invitae Variant Classification Sherloc (09022015). Collection method: clinical testing. Allele origin: germline.

GeneDx
Classification: Likely benign. Last evaluated: 2020-12-30. Review status: criteria provided, single submitter. Criteria: GeneDx Variant Classification Process June 2021. Collection method: clinical testing. Allele origin: germline. Affected: yes.

Eurofins Ntd Llc (ga)
Classification: Likely benign. Last evaluated: 2015-11-22. Review status: criteria provided, single submitter. Criteria: EGL Classification Definitions 2015. Collection method: clinical testing. Allele origin: germline. Observed: 1 variant allele, 1 heterozygote.

Breakthrough Genomics
Classification: Likely benign. Review status: criteria provided, single submitter. Criteria: ACMG Guidelines, 2015. Collection method: not provided. Allele origin: germline. Inheritance: Autosomal recessive inheritance. Affected: yes.

PreventionGenetics, part of Exact Sciences
Classification: Likely benign for ATPAF2-related condition. Last evaluated: 2019-11-26. Review status: no assertion criteria provided. Collection method: clinical testing. Allele origin: germline. Not counted in ClinVar's aggregate classification.
Comment: This variant is classified as likely benign based on ACMG/AMP sequence variant interpretation guidelines (Richards et al. 2015 PMID: 25741868, with internal and published modifications).

NM_145691.4(ATPAF2):c.699C>T (p.Ala233=)

Gene: ATPAF2 (ATP synthase mitochondrial F1 complex assembly factor 2; minus strand). Cytogenetic location: 17p11.2.
Variant type: single nucleotide variant.
Coding change: c.699C>T on transcript NM_145691.4 (MANE Select); coding-DNA position 699, C replaced by T.
Protein change: p.Ala233=; no amino-acid change (alanine 233 retained).
Molecular consequence: synonymous variant.
Genome position (GRCh38, 1-based): chr17:18,021,156, G>A on the plus strand (C>T on the coding strand, the complement: ATPAF2 is on the minus strand). VCF-style: chr17-18021156-G-A. GRCh37 (hg19) VCF-style: chr17-17924470-G-A.
Identifiers: ClinVar variation 284236 (VCV000284236.18), dbSNP rs143705642, ClinGen allele CA8421777.